The following is an entry in ClinVar:

ClinVar aggregate classification (germline): Uncertain significance (1 of 4 stars; one submission).

Conditions:
Primary ciliary dyskinesia 19. Also called: CILIARY DYSKINESIA, PRIMARY, 19, WITH OR WITHOUT SITUS INVERSUS. Identifiers: Orphanet 244, MedGen C3543826, MONDO:0013979, OMIM 614935.

Allele frequency attached by ClinVar (database versions not stated): gnomAD exomes below 0.00001.
gnomAD v4.1: 4 of 1,354,966 alleles (0.0003%); highest among the groups gnomAD compares: Non-Finnish European, 0.00041%; no homozygotes.

Submission:

Labcorp Genetics (formerly Invitae), Labcorp
Classification: Uncertain significance for Primary ciliary dyskinesia 19. Last evaluated: 2021-10-12. Review status: criteria provided, single submitter. Criteria: Invitae Variant Classification Sherloc (09022015). Collection method: clinical testing. Allele origin: germline.
Comment: This sequence change replaces leucine with phenylalanine at codon 65 of the LRRC6 protein (p.Leu65Phe). The leucine residue is highly conserved and there is a small physicochemical difference between leucine and phenylalanine. This variant is not present in population databases (ExAC no frequency). This variant has not been reported in the literature in individuals affected with LRRC6-related conditions. Algorithms developed to predict the effect of missense changes on protein structure and function are either unavailable or do not agree on the potential impact of this missense change (SIFT: "Deleterious"; PolyPhen-2: "Probably Damaging"; Align-GVGD: "Class C0"). In summary, the available evidence is currently insufficient to determine the role of this variant in disease. Therefore, it has been classified as a Variant of Uncertain Significance.

NM_012472.6(DNAAF11):c.193C>T (p.Leu65Phe)

Gene: DNAAF11 (dynein axonemal assembly factor 11; minus strand). Cytogenetic location: 8q24.22.
Variant type: single nucleotide variant.
Coding change: c.193C>T on transcript NM_012472.6 (MANE Select); coding-DNA position 193, C replaced by T.
Protein change: p.Leu65Phe; replaces leucine 65 with phenylalanine.
Molecular consequence: missense variant. On other transcripts: 5 prime UTR variant (4), non-coding transcript variant (7), intron variant (1).
Genome position (GRCh38, 1-based): chr8:132,656,893, G>A on the plus strand (C>T on the coding strand, the complement: DNAAF11 is on the minus strand). VCF-style: chr8-132656893-G-A. GRCh37 (hg19) VCF-style: chr8-133669139-G-A.
Other names: c.193C>T, p.Leu65Phe (NM_001321961.2); c.-168C>T (NM_001321963.2, NM_001321964.2, NM_001321966.2); c.-481C>T (NM_001321965.2); c.10+18591C>T (NM_001321962.2); short protein forms L65F.
Identifiers: ClinVar variation 1681044 (VCV001681044.6), dbSNP rs2130779094, ClinGen allele CA372296000.
Genomic context (GRCh38, chr8:132,656,893, plus strand): 5'-CCAAGTTTTCTATTTTTTCAATGTTGTTTAAAGCTAAATTCAAATATTCAAGTTTCTTGA[G>A]TTTGCTAACATTTTCTGAAATACAAGATAATGTAGTTAAGATAATTAATCTTCAAAATAA-3'
Protein context (NP_036604.2, residues 55-75): LIGKIENVSK[Leu65Phe]KKLEYLNLAL